The following is an entry in ClinVar:

ClinVar aggregate classification (germline): Uncertain significance (1 of 4 stars; one submission).

Conditions:
Glycogen storage disease IXd (GSD9D). Also called: Muscle Phosphorylase Kinase Deficiency; GSD IXd. Identifiers: Orphanet 715, MedGen C1845151, MONDO:0010362, OMIM 300559.

Allele frequency attached by ClinVar (database versions not stated): gnomAD exomes below 0.00001.
gnomAD v4.1: 3 of 1,204,736 alleles (0.00025%); highest among the groups gnomAD compares: Non-Finnish European, 0.00034%; no homozygotes.

Submission:

Victorian Clinical Genetics Services, Murdoch Childrens Research Institute
Classification: Uncertain significance for Glycogen storage disease IXd. Last evaluated: 2020-10-19. Review status: criteria provided, single submitter. Criteria: ACMG Guidelines, 2015. Collection method: clinical testing. Allele origin: germline. Inheritance: X-linked recessive inheritance. Affected: yes.
Comment: Based on the classification scheme VCGS_Germline_v1.1.0, this variant is classified as VUS-3B. Following criteria are met: 0102 - Loss-of-function is a known mechanism of disease for this gene. (N) 0109 - This gene is known to be associated with X-linked recessive disease. (N) 0200 - Variant is predicted to result in a missense amino acid change from histidine to leucine (exon 23). (N) 0253 - Variant is hemizygous. (N) 0301 - Variant is absent from gnomAD. (P) 0502 - Missense variant with conflicting in silico predictions and/or uninformative conservation. (N) 0600 - Variant is located in an annotated domain or motif (NCBI, PDB). (N) 0705 - No comparable variants have previous evidence for pathogenicity. (N) 0807 - Variant has not previously been reported in a clinical context. (N) 0905 - No segregation evidence has been identified for this variant. (N) 1007 - No published functional evidence has been identified for this variant. (N) 1208 - Inheritance information for this variant is not currently available. (N) Legend: (P) - Pathogenic, (N) - Neutral, (B) - Benign

NM_002637.4(PHKA1):c.2558A>T (p.His853Leu)

Gene: PHKA1 (phosphorylase kinase regulatory subunit alpha 1; minus strand). Cytogenetic location: Xq13.1.
Variant type: single nucleotide variant.
Coding change: c.2558A>T on transcript NM_002637.4 (MANE Select); coding-DNA position 2558, A replaced by T.
Protein change: p.His853Leu; replaces histidine 853 with leucine.
Molecular consequence: missense variant.
Genome position (GRCh38, 1-based): chrX:72,609,672, T>A on the plus strand (A>T on the coding strand, the complement: PHKA1 is on the minus strand). VCF-style: chrX-72609672-T-A. GRCh37 (hg19) VCF-style: chrX-71829522-T-A.
Other names: c.2558A>T, p.His853Leu (NM_001122670.2); c.2381A>T, p.His794Leu (NM_001172436.2); short protein forms H794L, H853L.
Identifiers: ClinVar variation 1806142 (VCV001806142.1), dbSNP rs2522438482, ClinGen allele CA413589898.